The following is an entry in ClinVar:

ClinVar aggregate classification (germline): Benign/Likely benign. Review status: criteria provided, multiple submitters, no conflicts (2 of 4 stars). 18 submissions from 18 submitters: Benign (9); Likely benign (3). 6 of the submissions do not count toward it. Last evaluated 2026-02-04.

Conditions:
Cardiovascular phenotype. Identifiers: MedGen CN230736.
Long QT syndrome (LQTS). Identifiers: MedGen C0023976, MeSH D008133, MONDO:0002442. Disease mechanism: loss of function. Inheritance: Various modes of inheritance.
Caveolinopathy. Identifiers: Orphanet 207078, MedGen C5679790, MONDO:0016146.

Allele frequency attached by ClinVar (database versions not stated): gnomAD exomes 0.29413 and 0.25144; ExAC 0.30104; gnomAD 0.35756 and 0.35060; 1000 Genomes Project 0.37101; 1000 Genomes Project 30x 0.37726; TOPMed 0.36732.
gnomAD v4.1: 419,413 of 1,601,170 alleles (26%); highest among the groups gnomAD compares: African/African-American, 56%; 60,267 homozygotes.

Submissions (18):

Labcorp Genetics (formerly Invitae), Labcorp
Classification: Benign for Long QT syndrome. Last evaluated: 2026-02-04. Review status: criteria provided, single submitter. Criteria: Invitae Variant Classification Sherloc (09022015). Collection method: clinical testing. Allele origin: germline.

Blueprint Genetics
Classification: Likely benign. Last evaluated: 2024-11-26. Review status: criteria provided, single submitter. Criteria: ACMG Guidelines, 2015. Collection method: clinical testing. Allele origin: germline.

ARUP Laboratories, Molecular Genetics and Genomics, ARUP Laboratories
Classification: Benign. Last evaluated: 2023-11-29. Review status: criteria provided, single submitter. Criteria: ARUP Molecular Germline Variant Investigation Process 2024. Collection method: clinical testing. Allele origin: germline.

Mayo Clinic Laboratories, Mayo Clinic
Classification: Benign. Last evaluated: 2017-07-19. Review status: criteria provided, single submitter. Criteria: ACMG Guidelines, 2015. Collection method: clinical testing. Allele origin: germline. Observed: 1,176 variant alleles.

Athena Diagnostics
Classification: Benign. Last evaluated: 2017-04-28. Review status: criteria provided, single submitter. Criteria: Athena Diagnostics Criteria. Collection method: clinical testing. Allele origin: unknown.

Illumina Laboratory Services, Illumina
Classification: Likely benign for Caveolinopathy. Last evaluated: 2017-04-27. Review status: criteria provided, single submitter. Criteria: ICSL Variant Classification Criteria 13 December 2019. Collection method: clinical testing. Allele origin: germline.
Comment: This variant was observed as part of a predisposition screen in an ostensibly healthy population. A literature search was performed for the gene, cDNA change, and amino acid change (where applicable). No publications were found based on this search. Allele frequency data from public databases allowed determination this variant is unlikely to cause disease. Therefore, this variant is classified as likely benign.

Ambry Genetics
Classification: Benign for Cardiovascular phenotype. Last evaluated: 2015-06-12. Review status: criteria provided, single submitter. Criteria: Ambry Variant Classification Scheme 2023. Collection method: clinical testing. Allele origin: germline.

Eurofins Ntd Llc (ga)
Classification: Benign. Last evaluated: 2013-08-27. Review status: criteria provided, single submitter. Criteria: EGL Classification Definitions 2015. Collection method: clinical testing. Allele origin: germline. Observed: 70 variant alleles, 51 heterozygotes, 19 homozygotes.

Laboratory for Molecular Medicine, Mass General Brigham Personalized Medicine
Classification: Benign. Last evaluated: 2012-04-11. Review status: criteria provided, single submitter. Criteria: LMM Criteria. Collection method: clinical testing. Allele origin: germline. Observed: 861 variant alleles.

GeneDx
Classification: Benign. Last evaluated: 2011-07-10. Review status: criteria provided, single submitter. Criteria: GeneDx Variant Classification (06012015). Collection method: clinical testing. Allele origin: germline. Affected: yes.
Comment: This variant is considered likely benign or benign based on one or more of the following criteria: it is a conservative change, it occurs at a poorly conserved position in the protein, it is predicted to be benign by multiple in silico algorithms, and/or has population frequency not consistent with disease.

Breakthrough Genomics
Classification: Likely benign. Review status: criteria provided, single submitter. Criteria: ACMG Guidelines, 2015. Collection method: not provided. Allele origin: germline. Inheritance: Autosomal recessive inheritance. Affected: yes.

PreventionGenetics, part of Exact Sciences
Classification: Benign. Review status: criteria provided, single submitter. Criteria: ACMG Guidelines, 2015. Collection method: clinical testing. Allele origin: germline.

Leiden Muscular Dystrophy (CAV3)
No classification provided. Last evaluated: 2012-04-15. Review status: no classification provided. Collection method: curation. Allele origin: germline. Not counted in ClinVar's aggregate classification.

Clinical Genetics, Academic Medical Center
Classification: Benign. Review status: no assertion criteria provided. Collection method: clinical testing. Allele origin: germline. Affected: yes. Study: VKGL Data-share Consensus. Not counted in ClinVar's aggregate classification.

Diagnostic Laboratory, Department of Genetics, University Medical Center Groningen
Classification: Benign. Review status: no assertion criteria provided. Collection method: clinical testing. Allele origin: germline. Affected: yes. Study: VKGL Data-share Consensus. Not counted in ClinVar's aggregate classification.

Genetic Services Laboratory, University of Chicago
Classification: Likely benign for AllHighlyPenetrant. Review status: no assertion criteria provided. Collection method: clinical testing. Allele origin: germline. Inheritance: Autosomal dominant inheritance. Not counted in ClinVar's aggregate classification.
Comment: Likely benign based on allele frequency in 1000 Genomes Project or ESP global frequency and its presence in a patient with a rare or unrelated disease phenotype. NOT Sanger confirmed.

Genome Diagnostics Laboratory, University Medical Center Utrecht
Classification: Benign. Review status: no assertion criteria provided. Collection method: clinical testing. Allele origin: germline. Affected: yes. Study: VKGL Data-share Consensus. Not counted in ClinVar's aggregate classification.

Joint Genome Diagnostic Labs from Nijmegen and Maastricht, Radboudumc and MUMC+
Classification: Benign. Review status: no assertion criteria provided. Collection method: clinical testing. Allele origin: germline. Affected: yes. Study: VKGL Data-share Consensus. Not counted in ClinVar's aggregate classification.

NM_033337.3(CAV3):c.99C>T (p.Asn33=)

Gene: CAV3 (caveolin 3; plus strand). Cytogenetic location: 3p25.3.
Variant type: single nucleotide variant.
Coding change: c.99C>T on transcript NM_033337.3 (MANE Select); coding-DNA position 99, C replaced by T.
Protein change: p.Asn33=; no amino-acid change (asparagine 33 retained).
Molecular consequence: synonymous variant.
Genome position (GRCh38, 1-based): chr3:8,733,975, C>T. VCF-style: chr3-8733975-C-T. GRCh37 (hg19) VCF-style: chr3-8775661-C-T.
Other names: p.N33N:AAC>AAT; p.Asn33=; c.99C>T, p.Asn33= (NM_001234.5).
Identifiers: ClinVar variation 31709 (VCV000031709.47), dbSNP rs1008642, ClinGen allele CA138581.